The following is an entry in ClinVar:

NM_001277115.2(DNAH11):c.4909C>G (p.Leu1637Val)

Gene: DNAH11 (dynein axonemal heavy chain 11; plus strand). Cytogenetic location: 7p15.3.
Variant type: single nucleotide variant.
Coding change: c.4909C>G on transcript NM_001277115.2 (MANE Select); coding-DNA position 4909, C replaced by G.
Protein change: p.Leu1637Val; replaces leucine 1637 with valine.
Molecular consequence: missense variant.
Genome position (GRCh38, 1-based): chr7:21,639,030, C>G. VCF-style: chr7-21639030-C-G. GRCh37 (hg19) VCF-style: chr7-21678648-C-G.
Other names: short protein forms L1637V.
Identifiers: ClinVar variation 1313898 (VCV001313898.2), dbSNP rs2128460316, ClinGen allele CA366934676.

ClinVar aggregate classification (germline): Uncertain significance (1 of 4 stars; one submission).

Allele frequency attached by ClinVar (database versions not stated): gnomAD exomes below 0.00001.
gnomAD v4.1: 1 of 1,613,622 alleles (0.000062%); highest among the groups gnomAD compares: Non-Finnish European, 0.000085%; no homozygotes.

Submission:

GeneDx
Classification: Uncertain significance. Last evaluated: 2021-01-07. Review status: criteria provided, single submitter. Criteria: GeneDx Variant Classification Process June 2021. Collection method: clinical testing. Allele origin: germline. Affected: yes.
Comment: Not observed in large population cohorts (Lek et al., 2016); In silico analysis supports that this missense variant has a deleterious effect on protein structure/function; Has not been previously published as pathogenic or benign to our knowledge